The following is an entry in ClinVar:

NM_000535.7(PMS2):c.509A>T (p.His170Leu)

Gene: PMS2 (PMS1 homolog 2, mismatch repair system component; minus strand). Cytogenetic location: 7p22.1.
Variant type: single nucleotide variant.
Coding change: c.509A>T on transcript NM_000535.7 (MANE Select); coding-DNA position 509, A replaced by T.
Protein change: p.His170Leu; replaces histidine 170 with leucine.
Molecular consequence: missense variant. On other transcripts: 5 prime UTR variant (2), non-coding transcript variant (1), intron variant (1).
Genome position (GRCh38, 1-based): chr7:6,002,481, T>A on the plus strand (A>T on the coding strand, the complement: PMS2 is on the minus strand). VCF-style: chr7-6002481-T-A. GRCh37 (hg19) VCF-style: chr7-6042112-T-A.
Other names: c.104A>T, p.His35Leu (NM_001018040.1, NM_001322003.2, NM_001322004.2 and 25 more transcripts); c.509A>T, p.His170Leu (NM_001322006.2, NM_001322014.2, NM_001406869.1 and 8 more transcripts); c.191A>T, p.His64Leu (NM_001322007.2, NM_001322008.2, NM_001406876.1 and 4 more transcripts); c.-376A>T (NM_001322011.2, NM_001322012.2); c.200A>T, p.His67Leu (NM_001322015.2, NM_001406875.1, NM_001406877.1 and 6 more transcripts); c.695A>T, p.His232Leu (NM_001406866.1); c.533A>T, p.His178Leu (NM_001406868.1); c.250+1491A>T (NM_001406885.1); short protein forms H170L, H178L, H232L, H35L, H64L, H67L.
Identifiers: ClinVar variation 3232030 (VCV003232030.2), dbSNP rs1583402418, ClinGen allele CA366744213.

ClinVar aggregate classification (germline): Uncertain significance. Review status: criteria provided, multiple submitters, no conflicts (2 of 4 stars). 2 submissions from 2 submitters: Uncertain significance (2). Last evaluated 2025-10-20.

Conditions:
Hereditary cancer-predisposing syndrome. Also called: Neoplastic Syndromes, Hereditary; Hereditary neoplastic syndrome; Tumor predisposition; Hereditary Cancer Syndrome. Identifiers: Orphanet 140162, MedGen C0027672, MeSH D009386, MONDO:0015356.
Lynch syndrome 5 (LYNCH5). Also called: Colorectal cancer, hereditary nonpolyposis, type 5; Hereditary non-polyposis colorectal cancer, type 5. Identifiers: Orphanet 144, MedGen C1833477, MONDO:0013710, OMIM 614350. Disease mechanism: loss of function.
Mismatch repair cancer syndrome 4. Identifiers: MedGen C5436817, MONDO:0030843, OMIM 619101.

Allele frequency attached by ClinVar (database versions not stated): gnomAD exomes below 0.00001.
gnomAD v4.1: 4 of 1,611,382 alleles (0.00025%); highest among the groups gnomAD compares: Non-Finnish European, 0.00034%; no homozygotes.

Submissions (2):

Institute of Immunology and Genetics Kaiserslautern
Classification: Uncertain significance for Lynch syndrome 5; Mismatch repair cancer syndrome 4. Last evaluated: 2025-10-20. Review status: criteria provided, single submitter. Criteria: ACMG Guidelines, 2015. Collection method: clinical testing. Allele origin: germline. Affected: yes.
Comment: ACMG Criteria: PM2_P, PP3; Variant was found in heterozygous state.

Ambry Genetics
Classification: Uncertain significance for Hereditary cancer-predisposing syndrome. Last evaluated: 2024-01-14. Review status: criteria provided, single submitter. Criteria: Ambry Variant Classification Scheme 2023. Collection method: clinical testing. Allele origin: germline.
Comment: The p.H170L variant (also known as c.509A>T), located in coding exon 5 of the PMS2 gene, results from an A to T substitution at nucleotide position 509. The histidine at codon 170 is replaced by leucine, an amino acid with similar properties. This amino acid position is conserved. In addition, this alteration is predicted to be deleterious by in silico analysis. Since supporting evidence is limited at this time, the clinical significance of this alteration remains unclear.